The following is an entry in ClinVar:

NM_001105206.3(LAMA4):c.2493+4A>C

Gene: LAMA4 (laminin subunit alpha 4; minus strand). Cytogenetic location: 6q21.
Variant type: single nucleotide variant.
Coding change: c.2493+4A>C on transcript NM_001105206.3 (MANE Select); 4 bases into the intron after coding-DNA position 2493, A replaced by C.
Molecular consequence: intron variant.
Genome position (GRCh38, 1-based): chr6:112,144,790, T>G on the plus strand (A>C on the coding strand, the complement: LAMA4 is on the minus strand). VCF-style: chr6-112144790-T-G. GRCh37 (hg19) VCF-style: chr6-112465992-T-G.
Other names: c.2472+4A>C (NM_002290.5, NM_001105207.3).
Identifiers: ClinVar variation 2126888 (VCV002126888.4), dbSNP rs2547034223, ClinGen allele CA2580074857.

ClinVar aggregate classification (germline): Uncertain significance (1 of 4 stars; one submission).

Conditions:
Dilated cardiomyopathy 1JJ (CMD1JJ). Identifiers: Orphanet 154, MedGen C3808935, MONDO:0014095, OMIM 615235.

Submission:

Labcorp Genetics (formerly Invitae), Labcorp
Classification: Uncertain significance for Dilated cardiomyopathy 1JJ. Last evaluated: 2022-04-16. Review status: criteria provided, single submitter. Criteria: Invitae Variant Classification Sherloc (09022015). Collection method: clinical testing. Allele origin: germline.
Comment: This sequence change falls in intron 19 of the LAMA4 gene. It does not directly change the encoded amino acid sequence of the LAMA4 protein. It affects a nucleotide within the consensus splice site. In summary, the available evidence is currently insufficient to determine the role of this variant in disease. Therefore, it has been classified as a Variant of Uncertain Significance. Variants that disrupt the consensus splice site are a relatively common cause of aberrant splicing (PMID: 17576681, 9536098). Algorithms developed to predict the effect of sequence changes on RNA splicing suggest that this variant may create or strengthen a splice site. This variant has not been reported in the literature in individuals affected with LAMA4-related conditions. This variant is not present in population databases (gnomAD no frequency).

Literature cited by the submitters: PubMed 17576681; PubMed 9536098.